The following is an entry in ClinVar:

NM_001283009.2(RTEL1):c.3157G>C (p.Gly1053Arg)

Genes: RTEL1-TNFRSF6B (RTEL1-TNFRSF6B readthrough (NMD candidate); plus strand), RTEL1 (regulator of telomere elongation helicase 1; plus strand). Cytogenetic location: 20q13.33.
Variant type: single nucleotide variant.
Coding change: c.3157G>C on transcript NM_001283009.2 (MANE Select); coding-DNA position 3157, G replaced by C.
Protein change: p.Gly1053Arg; replaces glycine 1053 with arginine.
Molecular consequence: missense variant. On other transcripts: non-coding transcript variant (1).
Genome position (GRCh38, 1-based): chr20:63,694,788, G>C. VCF-style: chr20-63694788-G-C. GRCh37 (hg19) VCF-style: chr20-62326141-G-C.
Other names: c.2488G>C, p.Gly830Arg (NM_001283010.1); c.3157G>C, p.Gly1053Arg (NM_016434.4); c.3229G>C, p.Gly1077Arg (NM_032957.5); short protein forms G1053R, G830R, G1077R.
Identifiers: ClinVar variation 647591 (VCV000647591.9), dbSNP rs1321802859, ClinGen allele CA409684864.

ClinVar aggregate classification (germline): Uncertain significance. Review status: criteria provided, multiple submitters, no conflicts (2 of 4 stars). 2 submissions from 2 submitters: Uncertain significance (2). Last evaluated 2025-11-26.

Conditions:
Pulmonary fibrosis and/or bone marrow failure, Telomere-related, 3. Also called: PULMONARY FIBROSIS AND/OR BONE MARROW FAILURE SYNDROME, TELOMERE-RELATED, 3. Identifiers: Orphanet 2032, MedGen C4225346, MONDO:0014613, OMIM 616373.
Dyskeratosis congenita, autosomal recessive 5 (DKCB5). Identifiers: MedGen C3554656, MONDO:0014076, OMIM 615190.
Inborn genetic diseases. Identifiers: MedGen C0950123, MeSH D030342.

Allele frequency attached by ClinVar (database versions not stated): TOPMed 0.00002; gnomAD 0.00001.
gnomAD v4.1: 2 of 1,611,928 alleles (0.00012%); highest among the groups gnomAD compares: African/African-American, 0.0027%; no homozygotes.

Submissions (2):

Labcorp Genetics (formerly Invitae), Labcorp
Classification: Uncertain significance for Dyskeratosis congenita, autosomal recessive 5; Pulmonary fibrosis and/or bone marrow failure, Telomere-related, 3. Last evaluated: 2025-11-26. Review status: criteria provided, single submitter. Criteria: Invitae Variant Classification Sherloc (09022015). Collection method: clinical testing. Allele origin: germline.
Comment: This sequence change replaces glycine, which is neutral and non-polar, with arginine, which is basic and polar, at codon 1053 of the RTEL1 protein (p.Gly1053Arg). This variant is present in population databases (no rsID available, gnomAD 0.01%). This variant has not been reported in the literature in individuals affected with RTEL1-related conditions. ClinVar contains an entry for this variant (Variation ID: 647591). An algorithm developed to predict the effect of missense changes on protein structure and function (PolyPhen-2) suggests that this variant is likely to be tolerated. In summary, the available evidence is currently insufficient to determine the role of this variant in disease. Therefore, it has been classified as a Variant of Uncertain Significance.

Ambry Genetics
Classification: Uncertain significance for Inborn genetic diseases. Last evaluated: 2024-11-28. Review status: criteria provided, single submitter. Criteria: Ambry Variant Classification Scheme 2023. Collection method: clinical testing. Allele origin: germline.
Comment: The p.G1053R variant (also known as c.3157G>C), located in coding exon 31 of the RTEL1 gene, results from a G to C substitution at nucleotide position 3157. The glycine at codon 1053 is replaced by arginine, an amino acid with dissimilar properties. This amino acid position is conserved. In addition, this alteration is predicted to be tolerated by in silico analysis. Based on the available evidence, the clinical significance of this variant remains unclear.